The following is an entry in ClinVar:

ClinVar aggregate classification (germline): Pathogenic. Review status: no assertion criteria provided (0 of 4 stars). 2 submissions from 2 submitters: Pathogenic (2). Last evaluated 2009-04-07.

Conditions:
X-linked sideroblastic anemia with ataxia (SCAX6). Also called: SPINOCEREBELLAR ATAXIA, X-LINKED 6, WITH OR WITHOUT SIDEROBLASTIC ANEMIA. Identifiers: Orphanet 2802, MedGen C1845028, MONDO:0010524, OMIM 301310.

Submissions (2):

GeneReviews
Classification: Pathogenic for X-Linked Sideroblastic Anemia and Ataxia. Last evaluated: 2009-04-07. Review status: no assertion criteria provided. Collection method: curation. Allele origin: unknown.
ClinVar note: Converted during submission from pathologic to Pathogenic.

OMIM
Classification: Pathogenic for SPINOCEREBELLAR ATAXIA, X-LINKED 6, WITH SIDEROBLASTIC ANEMIA. Last evaluated: 2000-11-01. Review status: no assertion criteria provided. Collection method: literature only. Allele origin: germline.

Literature cited by the submitters: PubMed 11050011 (cited by OMIM).

NM_001271696.3(ABCB7):c.1297G>A (p.Glu433Lys)

Gene: ABCB7 (ATP binding cassette subfamily B member 7; minus strand). Cytogenetic location: Xq13.3.
Variant type: single nucleotide variant.
Coding change: c.1297G>A on transcript NM_001271696.3 (MANE Select); coding-DNA position 1297, G replaced by A.
Protein change: p.Glu433Lys; replaces glutamic acid 433 with lysine.
Molecular consequence: missense variant.
Genome position (GRCh38, 1-based): chrX:75,070,433, C>T on the plus strand (G>A on the coding strand, the complement: ABCB7 is on the minus strand). VCF-style: chrX-75070433-C-T. GRCh37 (hg19) VCF-style: chrX-74290268-C-T.
Other names: c.1177G>A, p.Glu393Lys (NM_001271697.3); c.1219G>A, p.Glu407Lys (NM_001271698.3); c.1180G>A, p.Glu394Lys (NM_001271699.3); c.1300G>A, p.Glu434Lys (NM_004299.6); short protein forms E433K, E434K, E393K, E394K, E407K.
Identifiers: ClinVar variation 11575 (VCV000011575.5), dbSNP rs80356714, ClinGen allele CA341103.
Genomic context (GRCh38, chrX:75,070,433, plus strand): 5'-GGGTGTCTACCTTGAGTAGAGTAAACAAGGTGTTCATATCTATGAGTGCTTGTCTAGTCT[C>T]TCTATATACAGTTCCCAGAAAGTTCAGGGGTAATGAAAGCTGAAAAAGCAGTCCATTCAC-3'
Protein context (NP_001258625.1, residues 423-443): PLNFLGTVYR[Glu433Lys]TRQALIDMNT